The following is an entry in ClinVar:

NM_004656.4(BAP1):c.1026C>T (p.Ser342=)

Gene: BAP1 (BRCA1 associated deubiquitinase 1; minus strand). Cytogenetic location: 3p21.1.
Variant type: single nucleotide variant.
Coding change: c.1026C>T on transcript NM_004656.4 (MANE Select); coding-DNA position 1026, C replaced by T.
Protein change: p.Ser342=; no amino-acid change (serine 342 retained).
Molecular consequence: synonymous variant.
Genome position (GRCh38, 1-based): chr3:52,405,200, G>A on the plus strand (C>T on the coding strand, the complement: BAP1 is on the minus strand). VCF-style: chr3-52405200-G-A. GRCh37 (hg19) VCF-style: chr3-52439216-G-A.
Other names: p.Ser342=; c.1026C>T (LRG_529t1).
Identifiers: ClinVar variation 220780 (VCV000220780.86), dbSNP rs71651686, ClinGen allele CA349619.
Genomic context (GRCh38, chr3:52,405,200, plus strand): 5'-GTCTAGAAAGGCCGGCAGCCGCTGGACAATGGGAGTGGGGTTGGGGTGAACCCCATTGAG[G>A]CTGCTGCCTGGAGGCTTCACCACTAGCTTGGGTTTGTTGGGAGGGCTGTGGGATGGGGCT-3'
Protein context (NP_004647.1, residues 332-352): PKLVVKPPGS[Ser342=]LNGVHPNPTP

ClinVar aggregate classification (germline): Benign/Likely benign. Review status: criteria provided, multiple submitters, no conflicts (2 of 4 stars). 26 submissions from 25 submitters: Benign (11); Likely benign (9). 6 of the submissions do not count toward it. Last evaluated 2026-08-01.

Conditions:
BAP1-related tumor predisposition syndrome (TPDS1). Also called: Tumor susceptibility linked to germline BAP1 mutations; COMMON Syndrome; BAP1 tumor predisposition syndrome; TUMOR PREDISPOSITION SYNDROME 1. Identifiers: Orphanet 289539, MedGen C3280492, MONDO:0013692, OMIM 614327.
Kury-Isidor syndrome (KURIS). Identifiers: MedGen C5676925, MONDO:0859230, OMIM 619762.
Melanoma, uveal, susceptibility to, 2 (UVM2). Also called: Melanoma, uveal 2. Identifiers: Orphanet 39044, MedGen C1847723, MONDO:0011696, OMIM 606661.
Hereditary cancer-predisposing syndrome. Also called: Neoplastic Syndromes, Hereditary; Tumor predisposition; Hereditary Cancer Syndrome; Hereditary neoplastic syndrome. Identifiers: Orphanet 140162, MedGen C0027672, MeSH D009386, MONDO:0015356.

Allele frequency attached by ClinVar (database versions not stated): 1000 Genomes Project 0.00160; 1000 Genomes Project 30x 0.00172; ExAC 0.00229; gnomAD exomes 0.00245 and 0.00398; gnomAD 0.00295 and 0.00304; TOPMed 0.00329; ESP Exome Variant Server 0.00400.
gnomAD v4.1: 6,244 of 1,614,102 alleles (0.39%); highest among the groups gnomAD compares: Non-Finnish European, 0.47%; 15 homozygotes.

Submissions (26):

CeGaT Center for Human Genetics Tuebingen
Classification: Likely benign. Last evaluated: 2026-08-01. Review status: criteria provided, single submitter. Criteria: CeGaT Center For Human Genetics Tuebingen Variant Classification Criteria Version 2. Collection method: clinical testing. Allele origin: germline. Affected: yes. Observed: 51 variant alleles.
Comment: BAP1: BP4, BS2

Labcorp Genetics (formerly Invitae), Labcorp
Classification: Benign for BAP1-related tumor predisposition syndrome. Last evaluated: 2026-02-04. Review status: criteria provided, single submitter. Criteria: Invitae Variant Classification Sherloc (09022015). Collection method: clinical testing. Allele origin: germline.

Quest Diagnostics Nichols Institute San Juan Capistrano
Classification: Benign. Last evaluated: 2025-08-04. Review status: criteria provided, single submitter. Criteria: Quest Diagnostics criteria. Collection method: clinical testing. Allele origin: unknown.

Mayo Clinic Laboratories, Mayo Clinic
Classification: Likely benign. Last evaluated: 2025-07-23. Review status: criteria provided, single submitter. Criteria: ACMG Guidelines, 2015. Collection method: clinical testing. Allele origin: germline. Observed: 4 variant alleles.
Comment: BS1, BP4, BP7

ARUP Laboratories, Molecular Genetics and Genomics, ARUP Laboratories
Classification: Benign. Last evaluated: 2025-06-17. Review status: criteria provided, single submitter. Criteria: ARUP Molecular Germline Variant Investigation Process 2024. Collection method: clinical testing. Allele origin: germline.

Center for Genomic Medicine, Rigshospitalet, Copenhagen University Hospital
Classification: Likely benign. Last evaluated: 2025-03-04. Review status: criteria provided, single submitter. Criteria: ACMG Guidelines, 2015. Collection method: clinical testing. Allele origin: germline.

KCCC/NGS Laboratory, Kuwait Cancer Control Center
Classification: Benign for BAP1-related tumor predisposition syndrome. Last evaluated: 2025-02-01. Review status: criteria provided, single submitter. Criteria: ACMG Guidelines, 2015. Collection method: clinical testing. Allele origin: germline. Affected: no.

Blueprint Genetics
Classification: Likely benign. Last evaluated: 2024-11-22. Review status: criteria provided, single submitter. Criteria: ACMG Guidelines, 2015. Collection method: clinical testing. Allele origin: germline.

Myriad Genetics, Inc.
Classification: Benign for BAP1-related tumor predisposition syndrome. Last evaluated: 2024-07-15. Review status: criteria provided, single submitter. Criteria: Myriad Autosomal Dominant, Autosomal Recessive and X-Linked Classification Criteria (2023). Collection method: clinical testing. Allele origin: unknown.
Comment: This variant is considered benign. This variant is a silent/synonymous amino acid change and it is not expected to impact splicing.

KCCC/NGS Laboratory, Kuwait Cancer Control Center
Classification: Benign for Melanoma, uveal, susceptibility to, 2. Last evaluated: 2023-07-07. Review status: criteria provided, single submitter. Criteria: ACMG Guidelines, 2015. Collection method: clinical testing. Allele origin: germline. Affected: yes.

Department of Pathology and Laboratory Medicine, Sinai Health System
Classification: Benign for Melanoma, uveal, susceptibility to, 2; BAP1-related tumor predisposition syndrome; Kury-Isidor syndrome. Last evaluated: 2023-06-16. Review status: criteria provided, single submitter. Criteria: ACMG Guidelines, 2015. Collection method: clinical testing. Allele origin: germline. Affected: yes.

Fulgent Genetics
Classification: Likely benign for BAP1-related tumor predisposition syndrome; Kury-Isidor syndrome. Last evaluated: 2021-07-14. Review status: criteria provided, single submitter. Criteria: ACMG Guidelines, 2015. Collection method: clinical testing. Allele origin: unknown.

Sema4
Classification: Benign for Hereditary cancer-predisposing syndrome. Last evaluated: 2020-10-22. Review status: criteria provided, single submitter. Criteria: Sema4 Curation Guidelines. Collection method: curation. Allele origin: germline.

Genetic Services Laboratory, University of Chicago
Classification: Benign. Last evaluated: 2019-06-19. Review status: criteria provided, single submitter. Criteria: ACMG Guidelines, 2015. Collection method: clinical testing. Allele origin: germline. Affected: no.

GeneDx
Classification: Likely benign. Last evaluated: 2018-01-19. Review status: criteria provided, single submitter. Criteria: GeneDx Variant Classification (06012015). Collection method: clinical testing. Allele origin: germline. Affected: yes.
Comment: This variant is considered likely benign or benign based on one or more of the following criteria: it is a conservative change, it occurs at a poorly conserved position in the protein, it is predicted to be benign by multiple in silico algorithms, and/or has population frequency not consistent with disease.

Illumina Laboratory Services, Illumina
Classification: Benign for BAP1-related tumor predisposition syndrome. Last evaluated: 2018-01-13. Review status: criteria provided, single submitter. Criteria: ICSL Variant Classification Criteria 13 December 2019. Collection method: clinical testing. Allele origin: germline.
Comment: This variant was observed in the ICSL laboratory as part of a predisposition screen in an ostensibly healthy population. It had not been previously curated by ICSL or reported in the Human Gene Mutation Database (HGMD: prior to June 1st, 2018), and was therefore a candidate for classification through an automated scoring system. Utilizing variant allele frequency, disease prevalence and penetrance estimates, and inheritance mode, an automated score was calculated to assess if this variant is too frequent to cause the disease. Based on the score and internal cut-off values, a variant classified as benign is not then subjected to further curation. The score for this variant resulted in a classification of benign for this disease.

Ambry Genetics
Classification: Likely benign for Hereditary cancer-predisposing syndrome. Last evaluated: 2016-11-10. Review status: criteria provided, single submitter. Criteria: Ambry Variant Classification Scheme 2023. Collection method: clinical testing. Allele origin: germline.

Color Diagnostics, LLC DBA Color Health
Classification: Likely benign for Hereditary cancer-predisposing syndrome. Last evaluated: 2016-03-09. Review status: criteria provided, single submitter. Criteria: ACMG Guidelines, 2015. Collection method: clinical testing. Allele origin: germline.

Breakthrough Genomics
Classification: Likely benign. Review status: criteria provided, single submitter. Criteria: ACMG Guidelines, 2015. Collection method: not provided. Allele origin: germline. Inheritance: Autosomal dominant inheritance. Affected: yes.

PreventionGenetics, part of Exact Sciences
Classification: Benign. Review status: criteria provided, single submitter. Criteria: ACMG Guidelines, 2015. Collection method: clinical testing. Allele origin: germline.

True Health Diagnostics
Classification: Likely benign for Hereditary cancer-predisposing syndrome. Last evaluated: 2018-06-05. Review status: no assertion criteria provided. Collection method: clinical testing. Allele origin: germline. Not counted in ClinVar's aggregate classification.

Clinical Genetics DNA and cytogenetics Diagnostics Lab, Erasmus MC, Erasmus Medical Center
Classification: Likely benign. Review status: no assertion criteria provided. Collection method: clinical testing. Allele origin: germline. Affected: yes. Study: VKGL Data-share Consensus. Not counted in ClinVar's aggregate classification.

Diagnostic Laboratory, Department of Genetics, University Medical Center Groningen
Classification: Likely benign. Review status: no assertion criteria provided. Collection method: clinical testing. Allele origin: germline. Affected: yes. Study: VKGL Data-share Consensus. Not counted in ClinVar's aggregate classification.

Genome Diagnostics Laboratory, Amsterdam University Medical Center
Classification: Likely benign. Review status: no assertion criteria provided. Collection method: clinical testing. Allele origin: germline. Affected: yes. Study: VKGL Data-share Consensus. Not counted in ClinVar's aggregate classification.

Genome Diagnostics Laboratory, University Medical Center Utrecht
Classification: Benign. Review status: no assertion criteria provided. Collection method: clinical testing. Allele origin: germline. Affected: yes. Study: VKGL Data-share Consensus. Not counted in ClinVar's aggregate classification.

Laboratory of Diagnostic Genome Analysis, Leiden University Medical Center (LUMC)
Classification: Likely benign. Review status: no assertion criteria provided. Collection method: clinical testing. Allele origin: germline. Affected: yes. Study: VKGL Data-share Consensus. Not counted in ClinVar's aggregate classification.

Literature cited by the submitters: PubMed 26683624 (cited by Quest Diagnostics Nichols Institute San Juan Capistrano); PubMed 19197335 (cited by Quest Diagnostics Nichols Institute San Juan Capistrano); PubMed 16341802 (cited by Quest Diagnostics Nichols Institute San Juan Capistrano); PubMed 25974357 (cited by Quest Diagnostics Nichols Institute San Juan Capistrano).